The following is an entry in ClinVar:

ClinVar aggregate classification (germline): Benign/Likely benign. Review status: criteria provided, multiple submitters, no conflicts (2 of 4 stars). 6 submissions from 6 submitters: Benign (2); Likely benign (4). Last evaluated 2025-11-19.

Conditions:
Hereditary nonpolyposis colorectal neoplasms. Identifiers: MedGen C0009405, MeSH D003123.
Lynch syndrome 4 (LYNCH4). Also called: Colorectal cancer, hereditary nonpolyposis, type 4; Hereditary non-polyposis colorectal cancer, type 4. Identifiers: Orphanet 144, MedGen C1838333, MONDO:0013699, OMIM 614337. Disease mechanism: loss of function.
Hereditary cancer-predisposing syndrome. Also called: Tumor predisposition; Neoplastic Syndromes, Hereditary; Hereditary neoplastic syndrome; Hereditary Cancer Syndrome. Identifiers: Orphanet 140162, MedGen C0027672, MeSH D009386, MONDO:0015356.
Lynch syndrome. Identifiers: Orphanet 144, MedGen C4552100, MONDO:0005835. Disease mechanism: loss of function.

Allele frequency attached by ClinVar (database versions not stated): gnomAD exomes below 0.00001 and 0.00001; ExAC 0.00001; gnomAD 0.00001; TOPMed 0.00003.
gnomAD v4.1: 8 of 1,611,262 alleles (0.0005%); highest among the groups gnomAD compares: Admixed American, 0.0083%; no homozygotes.

Submissions (6):

Labcorp Genetics (formerly Invitae), Labcorp
Classification: Likely benign for Hereditary nonpolyposis colorectal neoplasms. Last evaluated: 2025-11-19. Review status: criteria provided, single submitter. Criteria: Invitae Variant Classification Sherloc (09022015). Collection method: clinical testing. Allele origin: germline.

Myriad Genetics, Inc.
Classification: Benign for Lynch syndrome 4. Last evaluated: 2025-01-27. Review status: criteria provided, single submitter. Criteria: Myriad Autosomal Dominant, Autosomal Recessive and X-Linked Classification Criteria (2023). Collection method: clinical testing. Allele origin: unknown.
Comment: This variant is considered benign. This variant is a silent/synonymous amino acid change and it is not expected to impact splicing.

All of Us Research Program, National Institutes of Health
Classification: Likely benign for Lynch syndrome. Last evaluated: 2023-12-18. Review status: criteria provided, single submitter. Criteria: ACMG Guidelines, 2015. Collection method: clinical testing. Allele origin: germline. Inheritance: Autosomal dominant inheritance. Observed: 5 variant alleles, 5 heterozygotes.
Comment: This study involves interpretation of variants in research participants for the purpose of population health screening. Participant phenotype was not available at the time of variant classification. Additional details can be found in publication PMID: 35346344, PMCID: PMC8962531

Color Diagnostics, LLC DBA Color Health
Classification: Likely benign for Hereditary cancer-predisposing syndrome. Last evaluated: 2016-07-27. Review status: criteria provided, single submitter. Criteria: ACMG Guidelines, 2015. Collection method: clinical testing. Allele origin: germline.

Ambry Genetics
Classification: Likely benign for Hereditary cancer-predisposing syndrome. Last evaluated: 2016-01-11. Review status: criteria provided, single submitter. Criteria: Ambry Variant Classification Scheme 2023. Collection method: clinical testing. Allele origin: germline.

GeneDx
Classification: Benign. Last evaluated: 2015-03-03. Review status: criteria provided, single submitter. Criteria: GeneDx Variant Classification Process June 2021. Collection method: clinical testing. Allele origin: germline. Affected: yes.

NM_000535.7(PMS2):c.474C>T (p.Ser158=)

Gene: PMS2 (PMS1 homolog 2, mismatch repair system component; minus strand). Cytogenetic location: 7p22.1.
Variant type: single nucleotide variant.
Coding change: c.474C>T on transcript NM_000535.7 (MANE Select); coding-DNA position 474, C replaced by T.
Protein change: p.Ser158=; no amino-acid change (serine 158 retained).
Molecular consequence: synonymous variant. On other transcripts: 5 prime UTR variant (2), non-coding transcript variant (1).
Genome position (GRCh38, 1-based): chr7:6,002,516, G>A on the plus strand (C>T on the coding strand, the complement: PMS2 is on the minus strand). VCF-style: chr7-6002516-G-A. GRCh37 (hg19) VCF-style: chr7-6042147-G-A.
Other names: c.69C>T, p.Ser23= (NM_001322003.2, NM_001322004.2, NM_001322005.2 and 3 more transcripts); c.474C>T, p.Ser158= (NM_001322006.2, NM_001322014.2); c.156C>T, p.Ser52= (NM_001322007.2, NM_001322008.2); c.-411C>T (NM_001322011.2, NM_001322012.2); c.165C>T, p.Ser55= (NM_001322015.2).
Identifiers: ClinVar variation 416569 (VCV000416569.22), dbSNP rs767414243, ClinGen allele CA049939.
Genomic context (GRCh38, chr7:6,002,516, plus strand): 5'-CTTAATATTCCTTTGAAATTCCTTATGGCGCACAGGTAGTGTGGAAAATAACTGCTGCAC[G>A]CTGACTGTGGTCCCTCTGGGGCGGGGGTAGGGGGTTTTCTGGATAATTTTCCCATTGTGA-3'
Protein context (NP_000526.2, residues 148-168): PYPRPRGTTV[Ser158=]VQQLFSTLPV